The following is an entry in ClinVar:

NM_002880.4(RAF1):c.776C>A (p.Ser259Tyr)

Gene: RAF1 (Raf-1 proto-oncogene, serine/threonine kinase; minus strand). Cytogenetic location: 3p25.2.
Variant type: single nucleotide variant.
Coding change: c.776C>A on transcript NM_002880.4 (MANE Select); coding-DNA position 776, C replaced by A.
Protein change: p.Ser259Tyr; replaces serine 259 with tyrosine.
Molecular consequence: missense variant. On other transcripts: non-coding transcript variant (3).
Genome position (GRCh38, 1-based): chr3:12,604,194, G>T on the plus strand (C>A on the coding strand, the complement: RAF1 is on the minus strand). VCF-style: chr3-12604194-G-T. GRCh37 (hg19) VCF-style: chr3-12645693-G-T.
Other names: c.776C>A (NM_002880.3); c.776C>A, p.Ser259Tyr (NM_001354689.3, NM_001354690.3); c.533C>A, p.Ser178Tyr (NM_001354691.3, NM_001354692.3, NM_001354694.3); c.677C>A, p.Ser226Tyr (NM_001354693.3); c.434C>A, p.Ser145Tyr (NM_001354695.3); short protein forms S259Y, S226Y, S145Y, S178Y.
Identifiers: ClinVar variation 44633 (VCV000044633.14), dbSNP rs397516827, ClinGen allele CA134750.

ClinVar aggregate classification (germline): Pathogenic. Review status: reviewed by expert panel (3 of 4 stars). 7 submissions from 7 submitters: Pathogenic (1). 6 of the submissions do not count toward it. Last evaluated 2020-05-18.

Conditions:
RASopathy. Also called: Noonan spectrum disorder; rasopathies. Identifiers: Orphanet 536391, MedGen C5555857, MONDO:0021060.
Noonan syndrome (NS). Also called: Noonan's syndrome. Identifiers: Orphanet 648, MedGen C0028326, MeSH D009634, MONDO:0018997. Disease mechanism: gain of function.
Noonan syndrome 5 (NS5). Also called: RAF1-Related Noonan Syndrome. Identifiers: Orphanet 648, MedGen C1969057, MONDO:0012690, OMIM 611553. Disease mechanism: gain of function.
LEOPARD syndrome 2 (LPRD2). Also called: RAF1-Related LEOPARD Syndrome. Identifiers: Orphanet 500, MedGen C1969056, MONDO:0012691, OMIM 611554.

Submissions (7):

ClinGen RASopathy Variant Curation Expert Panel
Classification: Pathogenic for RASopathy. Last evaluated: 2020-05-18. Review status: reviewed by expert panel. Criteria: ClinGen RASopathy ACMG Specifications v1. Collection method: curation. Allele origin: germline. Inheritance: Autosomal dominant inheritance.
Comment: The c.776C>A (p.Ser259Tyr) variant in RAF1 was absent from large population studies (PM2; gnomAD). It has been reported in 3 probands with clinical features of Noonan syndrome (PS4_Moderate; PMIDs: 31030682, 26918529, GeneDx internal data). In one proband, the variant occurred de novo with parentage confirmation (PS2; PMID: 31030682). The c.776C>A (p.Ser259Tyr) variant occurs in the CR2 activation domain of RAF1, which has been defined by the ClinGen RASopathy Expert Panel as a region important for protein function (PM1; PMID 29493581). A different pathogenic missense variant has been previously identified at this codon of RAF1 supporting this residue is critical to the function of the protein (PM5 not applied; ClinVar 40601). The variant is located in RAF1, which has been defined by the ClinGen RASopathy Expert Panel as a gene with a low rate of benign missense variants and pathogenic missense variants are common (PP2; PMID: 29493581). In summary, this variant meets criteria to be classified as pathogenic for RASopathies in an autosomal dominant manner. Rasopathy-specific ACMG/AMP criteria applied (PMID:29493581): PM2, PS4_Moderate, PS2, PM1, PP2.

Women's Health and Genetics/Laboratory Corporation of America, LabCorp
Classification: Pathogenic for RASopathy. Last evaluated: 2025-06-10. Review status: criteria provided, single submitter. Criteria: LabCorp Variant Classification Summary - May 2015. Collection method: clinical testing. Allele origin: germline. Not counted in ClinVar's aggregate classification.
Comment: Variant summary: RAF1 c.776C>A (p.Ser259Tyr) results in a non-conservative amino acid change in the encoded protein sequence. Algorithms developed to predict the effect of missense changes on protein structure and function all suggest that this variant is likely to be disruptive. The variant was absent in 251468 control chromosomes. c.776C>A has been observed in two unrelated individuals affected with Noonan Syndrome, including one case where it was confirmed to be de novo (Hakami_2016, Jaouadi_2019). Additionally, multiple variants affecting the same codon have been classified as likely pathogenic/pathogenic (p.Ser259Phe, p.Ser259Cys, p.Ser259Ala, p.Ser259Thr, p.Ser259Pro), supporting the critical relevance of codon 259 to RAF1 protein function. The following publications have been ascertained in the context of this evaluation (PMID: 26918529, 31030682). ClinVar contains an entry for this variant (Variation ID: 44633). Based on the evidence outlined above, the variant was classified as pathogenic.

Institute of Immunology and Genetics Kaiserslautern
Classification: Pathogenic for Noonan syndrome 5. Last evaluated: 2022-04-27. Review status: criteria provided, single submitter. Criteria: ACMG Guidelines, 2015. Collection method: clinical testing. Allele origin: de novo. Affected: yes. Not counted in ClinVar's aggregate classification.
Comment: ACMG Criteria: PS2, PM1, PM2_P, PM5, PP3, PP5; Variant was found heterozygously in de novo-status by prenatal trio exome sequence analysis.

Mayo Clinic Laboratories, Mayo Clinic
Classification: Pathogenic. Last evaluated: 2021-04-21. Review status: criteria provided, single submitter. Criteria: ClinGen RASopathy ACMG Specifications v1. Collection method: clinical testing. Allele origin: germline. Not counted in ClinVar's aggregate classification.
Comment: PS2, PS4_moderate, PM1, PM2, PP2

Mendelics
Classification: Pathogenic for LEOPARD syndrome 2. Last evaluated: 2019-05-28. Review status: criteria provided, single submitter. Criteria: Mendelics Assertion Criteria 2017. Collection method: clinical testing. Allele origin: unknown. Not counted in ClinVar's aggregate classification.

Laboratory for Molecular Medicine, Mass General Brigham Personalized Medicine
Classification: Uncertain significance. Last evaluated: 2016-02-11. Review status: criteria provided, single submitter. Criteria: LMM Criteria. Collection method: clinical testing. Allele origin: germline. Observed: 1 variant allele. Not counted in ClinVar's aggregate classification.
Comment: proposed classification - variant undergoing re-assessment, contact laboratory

Service de Génétique Moléculaire, Hôpital Robert Debré
Classification: Uncertain significance for Noonan syndrome. Review status: no assertion criteria provided. Collection method: clinical testing. Allele origin: unknown. Affected: yes. Not counted in ClinVar's aggregate classification.

Literature cited by the submitters: PubMed 26918529 (cited by 3 submitters); PubMed 31030682 (cited by 3 submitters); PubMed 17603483 (cited by Laboratory for Molecular Medicine, Mass General Brigham Personalized Medicine); PubMed 19020799 (cited by Laboratory for Molecular Medicine, Mass General Brigham Personalized Medicine); PubMed 23321623 (cited by Laboratory for Molecular Medicine, Mass General Brigham Personalized Medicine); PubMed 20052757 (cited by Laboratory for Molecular Medicine, Mass General Brigham Personalized Medicine).